The following is an entry in ClinVar:

NM_001389.5(DSCAM):c.2090G>A (p.Arg697Gln)

Gene: DSCAM (DS cell adhesion molecule; minus strand). Cytogenetic location: 21q22.2.
Variant type: single nucleotide variant.
Coding change: c.2090G>A on transcript NM_001389.5 (MANE Select); coding-DNA position 2090, G replaced by A.
Protein change: p.Arg697Gln; replaces arginine 697 with glutamine.
Molecular consequence: missense variant. On other transcripts: non-coding transcript variant (1).
Genome position (GRCh38, 1-based): chr21:40,296,147, C>T on the plus strand (G>A on the coding strand, the complement: DSCAM is on the minus strand). VCF-style: chr21-40296147-C-T. GRCh37 (hg19) VCF-style: chr21-41668074-C-T.
Other names: c.2090G>A, p.Arg697Gln (NM_001271534.3, NM_206887.1); short protein forms R697Q.
Identifiers: ClinVar variation 2652674 (VCV002652674.24), dbSNP rs201055760, ClinGen allele CA10031347.

ClinVar aggregate classification (germline): Likely benign (1 of 4 stars; one submission).

Allele frequency attached by ClinVar (database versions not stated): ESP Exome Variant Server 0.00017; 1000 Genomes Project 0.00020; TOPMed 0.00024; gnomAD 0.00028; 1000 Genomes Project 30x 0.00031; gnomAD exomes 0.00035; ExAC 0.00083.
gnomAD v4.1: 578 of 1,614,010 alleles (0.036%); highest among the groups gnomAD compares: South Asian, 0.29%; 4 homozygotes.

Submission:

CeGaT Center for Human Genetics Tuebingen
Classification: Likely benign. Last evaluated: 2024-07-01. Review status: criteria provided, single submitter. Criteria: CeGaT Center For Human Genetics Tuebingen Variant Classification Criteria Version 2. Collection method: clinical testing. Allele origin: germline. Affected: yes. Observed: 2 variant alleles.
Comment: DSCAM: PP2, BP4, BS1